The following is an entry in ClinVar:

ClinVar aggregate classification (germline): Pathogenic/Likely pathogenic. Review status: criteria provided, multiple submitters, no conflicts (2 of 4 stars). 6 submissions from 6 submitters: Pathogenic (4); Likely pathogenic (1). 1 of the submissions does not count toward it. Last evaluated 2024-05-02.

Conditions:
Marfan syndrome (MFS). Also called: MARFAN SYNDROME, TYPE I; FBN1-Related Marfan Syndrome; Marfan syndrome, classic; Marfan syndrome type 1; Marfan's syndrome. Identifiers: Orphanet 284963, Orphanet 558, MedGen C0024796, MONDO:0007947, OMIM 154700.
Familial thoracic aortic aneurysm and aortic dissection (TAAD). Also called: Thoracic aortic aneurysms and dissections. Identifiers: Orphanet 91387, MedGen C4707243, MONDO:0019625.

Submissions (6):

GeneDx
Classification: Likely pathogenic. Last evaluated: 2024-05-02. Review status: criteria provided, single submitter. Criteria: GeneDx Variant Classification Process June 2021. Collection method: clinical testing. Allele origin: germline. Affected: yes.
Comment: Affects a cysteine residue within a calcium-binding EGF-like domain of the FBN1 gene, which may affect disulfide bonding and is predicted to alter the structure and function of the protein; cysteine substitutions in the calcium-binding EGF-like domains represent the majority of pathogenic missense changes associated with FBN1-related disorders (PMID: 12938084); Not observed at significant frequency in large population cohorts (gnomAD); In silico analysis supports that this missense variant has a deleterious effect on protein structure/function; This variant is associated with the following publications: (PMID: 11933199, 21332468, 24161884, 35058154, 28941062, 12938084)

Labcorp Genetics (formerly Invitae), Labcorp
Classification: Pathogenic for Marfan syndrome; Familial thoracic aortic aneurysm and aortic dissection. Last evaluated: 2023-08-14. Review status: criteria provided, single submitter. Criteria: Invitae Variant Classification Sherloc (09022015). Collection method: clinical testing. Allele origin: germline.
Comment: For these reasons, this variant has been classified as Pathogenic. This variant affects a cysteine residue in the EGF-like, TGFBP or hybrid motif domains of FBN1. Cysteine residues are believed to be involved in intramolecular disulfide bridges and have been shown to be important for FBN1 protein structure (PMID: 16905551, 19349279). In addition, missense substitutions affecting cysteine residues within these domains are significantly overrepresented among patients with Marfan syndrome (PMID: 16571647, 17701892). Advanced modeling of protein sequence and biophysical properties (such as structural, functional, and spatial information, amino acid conservation, physicochemical variation, residue mobility, and thermodynamic stability) performed at Invitae indicates that this missense variant is expected to disrupt FBN1 protein function. ClinVar contains an entry for this variant (Variation ID: 263849). This missense change has been observed in individuals with Marfan syndrome (PMID: 11933199, 24161884). This variant is not present in population databases (gnomAD no frequency). This sequence change replaces cysteine, which is neutral and slightly polar, with tyrosine, which is neutral and polar, at codon 2295 of the FBN1 protein (p.Cys2295Tyr).

Centre of Medical Genetics, University of Antwerp
Classification: Pathogenic for Marfan syndrome. Last evaluated: 2021-03-01. Review status: criteria provided, single submitter. Criteria: Submitter's publication. Collection method: research. Allele origin: unknown. Affected: yes. Observed: 2 variant alleles.
Comment: PM2, PVS2, PP4

Center for Human Genetics, Inc
Classification: Pathogenic for Marfan syndrome. Last evaluated: 2016-11-01. Review status: criteria provided, single submitter. Criteria: ACMG Guidelines, 2015. Collection method: clinical testing. Allele origin: germline. Affected: yes.

Ambry Genetics
Classification: Pathogenic for Familial thoracic aortic aneurysm and aortic dissection. Last evaluated: 2014-07-14. Review status: criteria provided, single submitter. Criteria: Ambry Variant Classification Scheme 2023. Collection method: clinical testing. Allele origin: germline.
Comment: The p.C2295Y pathogenic mutation (also known as c.6884G>A), located in coding exon 56 of the FBN1 gene in the cb EGF-like#36 domain, results from a G to A substitution at nucleotide position 6884. The cysteine at codon 2295 is replaced by tyrosine, an amino acid with highly dissimilar properties. This pathogenic mutation was first reported in a cohort of individuals with known sequence changes in the FBN1 gene; however, clinical details were not provided (Matyas G et al. Hum Mutat. 2002;19(4):443-56). In addition, this pathogenic mutation was described in an individual who met Ghent criteria and did not show features suggestive of Loeys-Dietz syndrome (Aalberts JJ et al. Gene. 2014;534(1):40-3). A different amino acid substitution at the same position, p.C2295R, has also been reported as a disease-causing mutation (Voermans NC et al. Clin Genet. 2009;76(1):25-37). The majority of FBN1 mutations identified to date have involved the substitution or generation of cysteine residues within cbEGF domains (Vollbrandt T et al. J Biol Chem. 2004;279(31):32924-32931). Based on the supporting evidence, p.C2295Y is interpreted as a disease-causing mutation.

Center for Medical Genetics Ghent, University of Ghent
Classification: Likely pathogenic for Marfan syndrome. Last evaluated: 2017-11-07. Review status: no assertion criteria provided. Collection method: clinical testing. Allele origin: germline. Affected: yes. Not counted in ClinVar's aggregate classification.

Literature cited by the submitters: PubMed 16905551 (cited by Labcorp Genetics (formerly Invitae), Labcorp); PubMed 19349279 (cited by Labcorp Genetics (formerly Invitae), Labcorp); PubMed 16571647 (cited by Labcorp Genetics (formerly Invitae), Labcorp); PubMed 17701892 (cited by Labcorp Genetics (formerly Invitae), Labcorp); PubMed 11933199 (cited by Labcorp Genetics (formerly Invitae), Labcorp); PubMed 24161884 (cited by Labcorp Genetics (formerly Invitae), Labcorp).

NM_000138.5(FBN1):c.6884G>A (p.Cys2295Tyr)

Gene: FBN1 (fibrillin 1; minus strand). Cytogenetic location: 15q21.1.
Variant type: single nucleotide variant.
Coding change: c.6884G>A on transcript NM_000138.5 (MANE Select); coding-DNA position 6884, G replaced by A.
Protein change: p.Cys2295Tyr; replaces cysteine 2295 with tyrosine.
Molecular consequence: missense variant.
Genome position (GRCh38, 1-based): chr15:48,428,459, C>T on the plus strand (G>A on the coding strand, the complement: FBN1 is on the minus strand). VCF-style: chr15-48428459-C-T. GRCh37 (hg19) VCF-style: chr15-48720656-C-T.
Other names: short protein forms C2295Y.
Identifiers: ClinVar variation 263849 (VCV000263849.31), dbSNP rs886038949, ClinGen allele CA10587802.